The following is an entry in ClinVar:

ClinVar aggregate classification (germline): Likely benign (1 of 4 stars; one submission).

Submission:

CeGaT Center for Human Genetics Tuebingen
Classification: Likely benign. Last evaluated: 2025-06-01. Review status: criteria provided, single submitter. Criteria: CeGaT Center For Human Genetics Tuebingen Variant Classification Criteria Version 2. Collection method: clinical testing. Allele origin: germline. Affected: yes. Observed: 2 variant alleles.
Comment: SYNCRIP: BP4, BP7

NM_006372.5(SYNCRIP):c.-43C>T

Gene: SYNCRIP (synaptotagmin binding cytoplasmic RNA interacting protein; minus strand). Cytogenetic location: 6q14.3.
Variant type: single nucleotide variant.
Coding change: c.-43C>T on transcript NM_006372.5 (MANE Select); 43 bases upstream of the start codon, C replaced by T.
Molecular consequence: 5 prime UTR variant.
Genome position (GRCh38, 1-based): chr6:85,642,827, G>A on the plus strand (C>T on the coding strand, the complement: SYNCRIP is on the minus strand). VCF-style: chr6-85642827-G-A. GRCh37 (hg19) VCF-style: chr6-86352545-G-A.
Other names: c.-177C>T (NM_001159673.2, NM_001410938.1); c.-43C>T (NM_001159674.2, NM_001159677.2); c.-313C>T (NM_001253771.2).
Identifiers: ClinVar variation 3778367 (VCV003778367.7).